The following is an entry in ClinVar:

ClinVar aggregate classification (germline): Pathogenic (0 of 4 stars; one submission).

Conditions:
Steinert myotonic dystrophy syndrome (DM1). Also called: STEINERT DISEASE; Myotonic dystrophy type 1; Dystrophia myotonica type 1; Steinert myotonic dystrophy; Steinert's disease. Identifiers: Orphanet 273, MedGen C3250443, MONDO:0008056, OMIM 160900.

Submission:

Institute of Molecular, Cell and Systems Biology, University of Glasgow
Classification: Pathogenic for Steinert myotonic dystrophy syndrome. Review status: no assertion criteria provided. Criteria: research. Collection method: research. Allele origin: germline. Inheritance: Autosomal dominant inheritance. Affected: yes. Observed: 1 heterozygote.
Comment: DMPK CTG repeat expansions greater than approximately 45-50 repeats are assumed to be pathogenic

This record is based on data published in PubMed 25052313, which reports only ClinVar accessions SCV000120188 and SCV000120189. The complete data set includes SCV000207445 - SCV000207579.

Literature cited by the submitters: PubMed 1346923; PubMed 1546326; PubMed 25052313.

NM_004409.5(DMPK):c.*224CTG[593]

Genes: DM1-AS (DM1 locus antisense RNA; plus strand), DMPK (DM1 protein kinase; minus strand), LOC107075317 (origin of replication in DMPK trinucleotide repeat region; plus strand), LOC109461477 (dystrophia myotonica protein kinase repeat instability region; plus strand). Cytogenetic location: 19q13.32.
Variant type: Microsatellite.
Coding change: c.*224CTG[593] on transcript NM_004409.5 (MANE Select); 593 copies in a row of the 3-base unit CTG starting at c.*224.
Molecular consequence: 3 prime UTR variant.
Genome position: GRCh38, VCF-style position (the base before the change): chr19:45,770,204. GRCh37 (hg19), VCF-style position (the base before the change): chr19:46,273,462.
Other names: DM1 CTG repeat expansion; c.*224CTG[593] (NM_001081560.3, NM_001288764.2, NM_001424165.1 and 1 more transcripts); c.*217CTG[593] (NM_001081562.3, NM_001288765.2, NM_001424162.1 and 2 more transcripts); c.*222_*224TGC[593] (NM_001081563.3); c.*369CTG[593] (NM_001424168.1, NM_001288766.2, NM_001424164.1).
Identifiers: ClinVar variation 188010 (VCV000188010.1), ClinGen allele CA915951836.